The following is an entry in ClinVar:

ClinVar aggregate classification (germline): Likely pathogenic (1 of 4 stars; one submission).

Conditions:
Developmental and epileptic encephalopathy, 11 (DEE11). Also called: Early infantile epileptic encephalopathy 11. Identifiers: Orphanet 1934, MedGen C3150987, MONDO:0013388, OMIM 613721.
Seizures, benign familial infantile, 3 (BFIS3). Also called: CONVULSIONS, BENIGN FAMILIAL INFANTILE, 3; Familial neonatal seizures. Identifiers: Orphanet 140927, Orphanet 306, MedGen C1843140, MONDO:0011904, OMIM 607745.

Submission:

Labcorp Genetics (formerly Invitae), Labcorp
Classification: Likely pathogenic for Seizures, benign familial infantile, 3; Developmental and epileptic encephalopathy, 11. Last evaluated: 2025-06-26. Review status: criteria provided, single submitter. Criteria: Invitae Variant Classification Sherloc (09022015). Collection method: clinical testing. Allele origin: germline.
Comment: This sequence change affects a donor splice site in intron 16 of the SCN2A gene. It is expected to disrupt RNA splicing. Variants that disrupt the donor or acceptor splice site typically lead to a loss of protein function (PMID: 16199547), and loss-of-function variants in SCN2A are known to be pathogenic (PMID: 28379373). This variant is not present in population databases (gnomAD no frequency). This variant has not been reported in the literature in individuals affected with SCN2A-related conditions. Algorithms developed to predict the effect of sequence changes on RNA splicing suggest that this variant may disrupt the consensus splice site. In summary, the currently available evidence indicates that the variant is pathogenic, but additional data are needed to prove that conclusively. Therefore, this variant has been classified as Likely Pathogenic.

Literature cited by the submitters: PubMed 16199547; PubMed 28379373.

NM_001040142.2(SCN2A):c.2919+2T>A

Gene: SCN2A (sodium voltage-gated channel alpha subunit 2; plus strand). Cytogenetic location: 2q24.3.
Variant type: single nucleotide variant.
Coding change: c.2919+2T>A on transcript NM_001040142.2 (MANE Select); the canonical splice donor site of the intron after coding-DNA position 2919, T replaced by A.
Molecular consequence: splice donor variant.
Genome position (GRCh38, 1-based): chr2:165,344,913, T>A. VCF-style: chr2-165344913-T-A. GRCh37 (hg19) VCF-style: chr2-166201423-T-A.
Other names: c.2919+2T>A (NM_001040143.2, NM_001371246.1, NM_001371247.1 and 1 more transcripts).
Identifiers: ClinVar variation 4785401 (VCV004785401.1).